The following is an entry in ClinVar:

ClinVar aggregate classification (germline): Conflicting classifications of pathogenicity. Review status: criteria provided, conflicting classifications (1 of 4 stars). 7 submissions from 7 submitters: Uncertain significance (6); Likely benign (1). Last evaluated 2025-10-24.

Conditions:
Breast-ovarian cancer, familial, susceptibility to, 1 (BROVCA1). Also called: BRCA1 Hereditary Breast and Ovarian Cancer; OVARIAN CANCER, SUSCEPTIBILITY TO. Identifiers: Orphanet 145, MedGen C2676676, MONDO:0011450, OMIM 604370. Disease mechanism: loss of function.
Pancreatic cancer, susceptibility to, 4. Identifiers: Orphanet 1333, MedGen C3280442, MONDO:0013685, OMIM 614320.
Fanconi anemia, complementation group S (FANCS). Identifiers: MedGen C4554406, MONDO:0054748, OMIM 617883.
Hereditary cancer-predisposing syndrome. Also called: Tumor predisposition; Hereditary neoplastic syndrome; Hereditary Cancer Syndrome; Neoplastic Syndromes, Hereditary. Identifiers: Orphanet 140162, MedGen C0027672, MeSH D009386, MONDO:0015356.
Hereditary breast ovarian cancer syndrome. Also called: Hereditary breast and/or ovarian cancer syndrome; Breast and ovarian cancer; Hereditary breast and ovarian cancer syndrome; Hereditary breast and ovarian cancer; Hereditary breast and ovarian cancer syndrome (HBOC); BRCA1- and BRCA2-Associated Hereditary Breast and Ovarian Cancer. Identifiers: Orphanet 145, MedGen C0677776, MeSH D061325, MONDO:0003582. Disease mechanism: loss of function.

Allele frequency attached by ClinVar (database versions not stated): gnomAD exomes below 0.00001; ESP Exome Variant Server 0.00008.
gnomAD v4.1: 2 of 1,614,178 alleles (0.00012%); highest among the groups gnomAD compares: Non-Finnish European, 0.00017%; no homozygotes.

Submissions (8):

Labcorp Genetics (formerly Invitae), Labcorp
Classification: Uncertain significance for Hereditary breast ovarian cancer syndrome. Last evaluated: 2025-10-24. Review status: criteria provided, single submitter. Criteria: Invitae Variant Classification Sherloc (09022015). Collection method: clinical testing. Allele origin: germline.
Comment: This sequence change replaces valine, which is neutral and non-polar, with leucine, which is neutral and non-polar, at codon 1791 of the BRCA1 protein (p.Val1791Leu). This variant is not present in population databases (gnomAD no frequency). This missense change has been observed in individual(s) with hereditary breast and/or ovarian cancer (PMID: 25948282, 26845104). ClinVar contains an entry for this variant (Variation ID: 142002). Invitae Evidence Modeling incorporating data from in vitro experimental studies (PMID: 30209399) indicates that this missense variant is not expected to disrupt BRCA1 function with a negative predictive value of 95%. Experimental studies have shown that this missense change does not substantially affect BRCA1 function (PMID: 30209399, 30257991). In summary, the available evidence is currently insufficient to determine the role of this variant in disease. Therefore, it has been classified as a Variant of Uncertain Significance.

Fulgent Genetics
Classification: Uncertain significance for Breast-ovarian cancer, familial, susceptibility to, 1; Pancreatic cancer, susceptibility to, 4; Fanconi anemia, complementation group S. Last evaluated: 2024-06-24. Review status: criteria provided, single submitter. Criteria: ACMG Guidelines, 2015. Collection method: clinical testing. Allele origin: germline.

All of Us Research Program, National Institutes of Health
Classification: Uncertain significance for Breast-ovarian cancer, familial, susceptibility to, 1. Last evaluated: 2023-12-13. Review status: criteria provided, single submitter. Criteria: ACMG Guidelines, 2015. Collection method: clinical testing. Allele origin: germline. Inheritance: Autosomal dominant inheritance. Observed: 1 variant allele, 1 heterozygote.
Comment: This missense variant replaces valine with leucine at codon 1791 of the BRCA1 protein. Computational prediction is inconclusive regarding the impact of this variant on protein structure and function. A functional study reported that this variant does not impact BRCA1 function in a haploid human cell proliferation assay (PMID: 30209399). This variant has been described in at least one individual each affected with breast or ovarian cancer (PMID: 25948282, 26845104) and it also has been detected in a breast cancer case-control meta-analysis in 1/60466 cases and 1/53461 unaffected individuals (PMID: 33471991; Leiden Open Variation Database DB-ID BRCA1_006151). This variant has been identified in 1/251456 chromosomes in the general population by the Genome Aggregation Database (gnomAD). The available evidence is insufficient to determine the role of this variant in disease conclusively. Therefore, this variant is classified as a Variant of Uncertain Significance.

This study involves interpretation of variants in research participants for the purpose of population health screening. Participant phenotype was not available at the time of variant classification. Additional details can be found in publication PMID: 35346344, PMCID: PMC8962531

Color Diagnostics, LLC DBA Color Health
Classification: Uncertain significance for Hereditary cancer-predisposing syndrome. Last evaluated: 2023-11-16. Review status: criteria provided, single submitter. Criteria: ACMG Guidelines, 2015. Collection method: clinical testing. Allele origin: germline.
Comment: This missense variant replaces valine with leucine at codon 1791 of the BRCA1 protein. Computational prediction is inconclusive regarding the impact of this variant on protein structure and function. A functional study reported that this variant does not impact BRCA1 function in a haploid human cell proliferation assay (PMID: 30209399). This variant has been described in at least one individual each affected with breast or ovarian cancer (PMID: 25948282, 26845104) and it also has been detected in a breast cancer case-control meta-analysis in 1/60466 cases and 1/53461 unaffected individuals (PMID: 33471991; Leiden Open Variation Database DB-ID BRCA1_006151). This variant has been identified in 1/251456 chromosomes in the general population by the Genome Aggregation Database (gnomAD). The available evidence is insufficient to determine the role of this variant in disease conclusively. Therefore, this variant is classified as a Variant of Uncertain Significance.

Ambry Genetics
Classification: Likely benign for Hereditary cancer-predisposing syndrome. Last evaluated: 2021-12-07. Review status: criteria provided, single submitter. Criteria: Ambry Variant Classification Scheme 2023. Collection method: clinical testing. Allele origin: germline.

Institute of Human Genetics, University of Leipzig Medical Center
Classification: Uncertain significance for Breast-ovarian cancer, familial, susceptibility to, 1. Last evaluated: 2019-01-01. Review status: criteria provided, single submitter. Criteria: ACMG Guidelines, 2015. Collection method: clinical testing. Allele origin: unknown. Affected: yes.

University of Washington Department of Laboratory Medicine, University of Washington
Classification: Uncertain significance for Breast-ovarian cancer, familial, susceptibility to, 1. Last evaluated: 2015-11-20. Review status: criteria provided, single submitter. Criteria: Shirts et al. (Genet Med 2016). Collection method: clinical testing. Allele origin: germline. Affected: yes. Observed: 1 variant allele.

Brotman Baty Institute, University of Washington
No classification provided (evidence only). Condition: Breast-ovarian cancer, familial 1. Review status: no classification provided. Collection method: in vitro. Allele origin: not applicable. Functional consequence: functionally_normal. Not counted in ClinVar's aggregate classification.
ClinVar note: "not provided" was previously submitted as the classification for the variant. However, the classification appeared to be based only on an observation of functional data so it was converted to no classification on 2025-07-30.

Literature cited by the submitters: PubMed 25948282 (cited by 3 submitters); PubMed 26845104 (cited by 3 submitters); PubMed 30209399 (cited by 4 submitters); PubMed 30257991 (cited by Labcorp Genetics (formerly Invitae), Labcorp); PubMed 33471991 (cited by All of Us Research Program, National Institutes of Health and Color Diagnostics, LLC DBA Color Health).

NM_007294.4(BRCA1):c.5371G>T (p.Val1791Leu)

Gene: BRCA1 (BRCA1 DNA repair associated; minus strand). Cytogenetic location: 17q21.31.
Variant type: single nucleotide variant.
Coding change: c.5371G>T on transcript NM_007294.4 (MANE Select); coding-DNA position 5371, G replaced by T.
Protein change: p.Val1791Leu; replaces valine 1791 with leucine.
Molecular consequence: missense variant. On other transcripts: non-coding transcript variant (1), intron variant (1).
Genome position (GRCh38, 1-based): chr17:43,049,156, C>A on the plus strand (G>T on the coding strand, the complement: BRCA1 is on the minus strand). VCF-style: chr17-43049156-C-A. GRCh37 (hg19) VCF-style: chr17-41201173-C-A.
Other names: c.5158G>T, p.Val1720Leu (NM_001407571.1, NM_001407894.1, NM_001407895.1 and 12 more transcripts); c.5437G>T, p.Val1813Leu (NM_001407581.1, NM_001407582.1); c.5434G>T, p.Val1812Leu (NM_001407583.1, NM_001407585.1, NM_001407587.1 and 1 more transcripts); c.5431G>T, p.Val1811Leu (NM_001407590.1, NM_001407591.1); c.5371G>T, p.Val1791Leu (NM_001407593.1, NM_001407594.1, NM_001407596.1 and 5 more transcripts); c.5368G>T, p.Val1790Leu (NM_001407610.1, NM_001407611.1, NM_001407612.1 and 14 more transcripts); c.5365G>T, p.Val1789Leu (NM_001407629.1, NM_001407630.1, NM_001407631.1 and 13 more transcripts); c.5311G>T, p.Val1771Leu (NM_001407649.1); and 73 more; short protein forms V1791L, V1744L, V1812L, V687L, V1494L, V1637L, V1664L, V1678L.
Identifiers: ClinVar variation 142002 (VCV000142002.25), dbSNP rs145758886, ClinGen allele CA003539.
Genomic context (GRCh38, chr17:43,049,156, plus strand): 5'-CTCTGACAGGGCACCCAATACTTACTGTGCCAAGGGTGAATGATGAAAGCTCCTTCACCA[C>A]AGAAGCACCACACAGCTGTACCATCCATTCCAGTTGATCTAAAATGGACATTTAGATGTA-3'
Protein context (NP_009225.1, residues 1781-1801): EWMVQLCGAS[Val1791Leu]VKELSSFTLG